The following is an entry in ClinVar:

ClinVar aggregate classification (germline): Uncertain significance (1 of 4 stars; one submission).

gnomAD v4.1: 1 of 1,614,196 alleles (0.000062%); highest among the groups gnomAD compares: Non-Finnish European, 0.000085%; no homozygotes.

Submission:

GeneDx
Classification: Uncertain significance. Last evaluated: 2024-05-21. Review status: criteria provided, single submitter. Criteria: GeneDx Variant Classification Process June 2021. Collection method: clinical testing. Allele origin: germline. Affected: yes.
Comment: Has not been previously published as pathogenic or benign to our knowledge; Not observed at significant frequency in large population cohorts (gnomAD); In silico analysis indicates that this missense variant does not alter protein structure/function

NM_006329.4(FBLN5):c.10A>G (p.Ile4Val)

Gene: FBLN5 (fibulin 5; minus strand). Cytogenetic location: 14q32.12.
Variant type: single nucleotide variant.
Coding change: c.10A>G on transcript NM_006329.4 (MANE Select); coding-DNA position 10, A replaced by G.
Protein change: p.Ile4Val; replaces isoleucine 4 with valine.
Molecular consequence: missense variant. On other transcripts: 5 prime UTR variant (2).
Genome position (GRCh38, 1-based): chr14:91,947,220, T>C on the plus strand (A>G on the coding strand, the complement: FBLN5 is on the minus strand). VCF-style: chr14-91947220-T-C. GRCh37 (hg19) VCF-style: chr14-92413564-T-C.
Other names: c.10A>G, p.Ile4Val (NM_001384158.1, NM_001384160.1); c.-260A>G (NM_001384161.1, NM_001384162.1); short protein forms I4V.
Identifiers: ClinVar variation 3381278 (VCV003381278.1).